The following is an entry in ClinVar:

NM_001374353.1(GLI2):c.842T>A (p.Leu281His)

Gene: GLI2 (GLI family zinc finger 2; plus strand). Cytogenetic location: 2q14.2.
Variant type: single nucleotide variant.
Coding change: c.842T>A on transcript NM_001374353.1 (MANE Select); coding-DNA position 842, T replaced by A.
Protein change: p.Leu281His; replaces leucine 281 with histidine.
Molecular consequence: missense variant.
Genome position (GRCh38, 1-based): chr2:120,968,912, T>A. VCF-style: chr2-120968912-T-A. GRCh37 (hg19) VCF-style: chr2-121726488-T-A.
Other names: c.842T>A, p.Leu281His (NM_001371271.1, NM_005270.5); c.467T>A, p.Leu156His (NM_001374354.1); short protein forms L156H, L281H.
Identifiers: ClinVar variation 3756093 (VCV003756093.2).

ClinVar aggregate classification (germline): Uncertain significance (1 of 4 stars; one submission).

Conditions:
Postaxial polydactyly-anterior pituitary anomalies-facial dysmorphism syndrome. Also called: Culler-Jones syndrome. Identifiers: Orphanet 420584, MedGen C4014479, MONDO:0014369, OMIM 615849.
Holoprosencephaly 9 (HPE9). Also called: PITUITARY ANOMALIES WITH HOLOPROSENCEPHALY-LIKE FEATURES; HOLOPROSENCEPHALY WITH MICROPHTHALMIA AND FIRST BRANCHIAL ARCH ANOMALIES. Identifiers: Orphanet 2162, MedGen C1835819, MONDO:0012563, OMIM 610829.

Submission:

Labcorp Genetics (formerly Invitae), Labcorp
Classification: Uncertain significance for Postaxial polydactyly-anterior pituitary anomalies-facial dysmorphism syndrome; Holoprosencephaly 9. Last evaluated: 2025-06-04. Review status: criteria provided, single submitter. Criteria: Invitae Variant Classification Sherloc (09022015). Collection method: clinical testing. Allele origin: germline.
Comment: This sequence change replaces leucine, which is neutral and non-polar, with histidine, which is basic and polar, at codon 281 of the GLI2 protein (p.Leu281His). This variant is not present in population databases (gnomAD no frequency). This variant has not been reported in the literature in individuals affected with GLI2-related conditions. ClinVar contains an entry for this variant (Variation ID: 3756093). Invitae Evidence Modeling of protein sequence and biophysical properties (such as structural, functional, and spatial information, amino acid conservation, physicochemical variation, residue mobility, and thermodynamic stability) indicates that this missense variant is expected to disrupt GLI2 protein function with a positive predictive value of 80%. In summary, the available evidence is currently insufficient to determine the role of this variant in disease. Therefore, it has been classified as a Variant of Uncertain Significance.